The following is an entry in ClinVar:

NM_004369.4(COL6A3):c.9248C>T (p.Pro3083Leu)

Gene: COL6A3 (collagen type VI alpha 3 chain; minus strand). Cytogenetic location: 2q37.3.
Variant type: single nucleotide variant.
Coding change: c.9248C>T on transcript NM_004369.4 (MANE Select); coding-DNA position 9248, C replaced by T.
Protein change: p.Pro3083Leu; replaces proline 3083 with leucine.
Molecular consequence: missense variant.
Genome position (GRCh38, 1-based): chr2:237,333,530, G>A on the plus strand (C>T on the coding strand, the complement: COL6A3 is on the minus strand). VCF-style: chr2-237333530-G-A. GRCh37 (hg19) VCF-style: chr2-238242173-G-A.
Other names: c.7427C>T, p.Pro2476Leu (NM_057166.5); c.8630C>T, p.Pro2877Leu (NM_057167.4); short protein forms P3083L, P2476L, P2877L.
Identifiers: ClinVar variation 1970018 (VCV001970018.6), dbSNP rs760496428, ClinGen allele CA351187465.

ClinVar aggregate classification (germline): Uncertain significance. Review status: criteria provided, multiple submitters, no conflicts (2 of 4 stars). 2 submissions from 2 submitters: Uncertain significance (2). Last evaluated 2024-10-22.

Conditions:
Inborn genetic diseases. Identifiers: MedGen C0950123, MeSH D030342.
Bethlem myopathy 1A. Also called: MYOPATHY, BENIGN CONGENITAL, WITH CONTRACTURES; Bethlem myopathy 1; Bethlem Muscular Dystrophy. Identifiers: Orphanet 610, MedGen CN029274, MONDO:0024530, OMIM 158810.

gnomAD v4.1: 1 of 1,614,216 alleles (0.000062%); highest among the groups gnomAD compares: Admixed American, 0.0017%; no homozygotes.

Submissions (2):

Labcorp Genetics (formerly Invitae), Labcorp
Classification: Uncertain significance for Bethlem myopathy 1A. Last evaluated: 2024-10-22. Review status: criteria provided, single submitter. Criteria: Invitae Variant Classification Sherloc (09022015). Collection method: clinical testing. Allele origin: germline.
Comment: This sequence change replaces proline, which is neutral and non-polar, with leucine, which is neutral and non-polar, at codon 3083 of the COL6A3 protein (p.Pro3083Leu). This variant is not present in population databases (gnomAD no frequency). This variant has not been reported in the literature in individuals affected with COL6A3-related conditions. ClinVar contains an entry for this variant (Variation ID: 1970018). Invitae Evidence Modeling of protein sequence and biophysical properties (such as structural, functional, and spatial information, amino acid conservation, physicochemical variation, residue mobility, and thermodynamic stability) indicates that this missense variant is not expected to disrupt COL6A3 protein function with a negative predictive value of 95%. In summary, the available evidence is currently insufficient to determine the role of this variant in disease. Therefore, it has been classified as a Variant of Uncertain Significance.

Ambry Genetics
Classification: Uncertain significance for Inborn genetic diseases. Last evaluated: 2024-06-02. Review status: criteria provided, single submitter. Criteria: Ambry Variant Classification Scheme 2023. Collection method: clinical testing. Allele origin: germline.